The following continues an entry in ClinVar:

NM_000059.4(BRCA2):c.5722_5723del (p.Leu1908fs)

Gene: BRCA2. ClinVar aggregate classification (germline): Pathogenic. Pathogenic (1).

Submissions 22 to 32 of 50:

CHEO Genetics Diagnostic Laboratory, Children's Hospital of Eastern Ontario
Classification: Pathogenic for Breast and/or ovarian cancer. Last evaluated: 2023-06-23. Review status: criteria provided, single submitter. Criteria: ACMG Guidelines, 2015. Collection method: clinical testing. Allele origin: germline. Study: Canadian Open Genetics Repository. Not counted in ClinVar's aggregate classification.

Quest Diagnostics Nichols Institute San Juan Capistrano
Classification: Pathogenic. Last evaluated: 2023-06-12. Review status: criteria provided, single submitter. Criteria: Quest Diagnostics criteria. Collection method: clinical testing. Allele origin: unknown. Not counted in ClinVar's aggregate classification.
Comment: The BRCA2 c.5722_5723del (p.Leu1908Argfs*2) variant alters the translational reading frame of the BRCA2 mRNA and causes the premature termination of BRCA2 protein synthesis. This variant has been reported in the published literature in individuals with breast and/or ovarian cancer (PMID: 30940775 (2019), 32341426 (2020), 34290354 (2021)), including male individuals with breast cancer (PMID: 20927582 (2011), 23028338 (2012)). This variant has also been reported in individuals with prostate cancer (PMID: 20736950 (2010)), and pancreatic cancer (PMID: 25940717 (2015), 31577767 (2019)). The frequency of this variant in the general population, 0.000004 (1/250888 chromosomes (Genome Aggregation Database)), is consistent with pathogenicity. Based on the available information, this variant is classified as pathogenic.

Clinical Genetics Laboratory, Skane University Hospital Lund
Classification: Pathogenic. Last evaluated: 2023-02-28. Review status: criteria provided, single submitter. Criteria: ACMG Guidelines, 2015. Collection method: clinical testing. Allele origin: germline. Affected: yes. Not counted in ClinVar's aggregate classification.

Laboratory for Molecular Medicine, Mass General Brigham Personalized Medicine
Classification: Pathogenic for Hereditary breast ovarian cancer syndrome. Last evaluated: 2022-11-23. Review status: criteria provided, single submitter. Criteria: ACMG Guidelines, 2015. Collection method: clinical testing. Allele origin: germline. Inheritance: Autosomal dominant inheritance. Not counted in ClinVar's aggregate classification.
Comment: The p.Leu1908ArgfsX2 variant in BRCA2 has been reported in >60 individuals with BRCA2-associated cancers (Kwong 2009 PMID: 19353265, Cherbal 2010 PMID: 20683152, Zhang 2011, Edwards 2010 PMID: 20736950, Rebbeck 2018 PMID: 29446198, Breast Cancer Information Core (BIC) database). It has also been identified in 0.003% (1/30598) of South Asian chromosomes by gnomAD; however, this frequency is low enough to be consistent with the frequency of hereditary breast and ovarian cancer (HBOC) in the general population. This variant is predicted to cause a frameshift, which alters the protein’s amino acid sequence beginning at position 1908 and leads to a premature termination codon 2 amino acids downstream. This alteration is then predicted to lead to a truncated or absent protein. Heterozygous loss of function of the BRCA2 gene is an established disease mechanism in HBOC. Additionally, this variant was classified as pathogenic on April 22, 2016 by the ClinGen-approved ENIGMA expert panel (Variation ID 9320). In summary, this variant meets criteria to be classified as pathogenic for autosomal dominant HBOC. ACMG/AMP criteria applied: PVS1, PS4, PM2_Supporting.

Eurofins-Biomnis
Classification: Pathogenic for Familial cancer of breast. Last evaluated: 2022-10-25. Review status: criteria provided, single submitter. Criteria: Accession Criteria ClinVar Biomnis. Collection method: clinical testing. Allele origin: germline. Affected: yes. Observed: 1 heterozygote. Not counted in ClinVar's aggregate classification.

ARUP Laboratories, Molecular Genetics and Genomics, ARUP Laboratories
Classification: Pathogenic. Last evaluated: 2022-04-28. Review status: criteria provided, single submitter. Criteria: ARUP Molecular Germline Variant Investigation Process 2021. Collection method: clinical testing. Allele origin: germline. Not counted in ClinVar's aggregate classification.
Comment: The BRCA2 c.5722_5723delCT; p.Leu1908ArgfsTer2 variant (rs80359530), also known as 5950delCT, has been described in several individuals and families affected with breast, ovarian, prostate, or pancreatic cancers (Cherbal 2010, de Juan 2015, Ding 2011, Edwards 2010, Holter 2015, Kwong 2009, Thompson 2012, Zhang 2011). This variant is reported in ClinVar (Variation ID: 9320) and is classified as pathogenic by an expert panel. This variant is only observed on one allele in the Genome Aggregation Database, indicating it is not a common polymorphism. This variant causes a frameshift by deleting 2 nucleotides, so it is predicted to result in a truncated protein or mRNA subject to nonsense-mediated decay. Based on available information, this variant is considered pathogenic. REFERENCES Cherbal F et al. BRCA1 and BRCA2 germline mutations screening in Algerian breast/ovarian cancer families. Dis Markers. 2010;28(6):377-84. PMID: 20683152. de Juan I et al. BRCA1 and BRCA2 mutations in males with familial breast and ovarian cancer syndrome. Results of a Spanish multicenter study. Fam Cancer. 2015 Dec;14(4):505-13. PMID: 26026974. Ding Y et al. Mutations in BRCA2 and PALB2 in male breast cancer cases from the United States. Breast Cancer Res Treat. 2011 Apr;126(3):771-8. PMID: 20927582. Edwards S et al. Prostate cancer in BRCA2 germline mutation carriers is associated with poorer prognosis. Br J Cancer. 2010 Sep 7;103(6):918-24. PMID: 20736950. Holter S et al. Germline BRCA Mutations in a Large Clinic-Based Cohort of Patients With Pancreatic Adenocarcinoma. J Clin Oncol. 2015 Oct 1;33(28):3124-9. PMID: 25940717. Kwong A et al. A BRCA2 founder mutation and seven novel deleterious BRCA mutations in southern Chinese women with breast and ovarian cancer. Breast Cancer Res Treat. 2009 Oct;117(3):683-6. PMID: 19353265. Thompson E et al. Exome sequencing identifies rare deleterious mutations in DNA repair genes FANCC and BLM as potential breast cancer susceptibility alleles. PLoS Genet. 2012 Sep;8(9):e1002894. PMID: 23028338. Zhang S et al. Frequencies of BRCA1 and BRCA2 mutations among 1,342 unselected patients with invasive ovarian cancer. Gynecol Oncol. 2011 May 1;121(2):353-7. PMID: 21324516.

Sema4
Classification: Pathogenic for Hereditary cancer-predisposing syndrome. Last evaluated: 2022-02-16. Review status: criteria provided, single submitter. Criteria: Sema4 Curation Guidelines. Collection method: curation. Allele origin: germline. Not counted in ClinVar's aggregate classification.
Comment: The BRCA2 c.5722_5723delCT (p.L1908RfsX2) variant has been reported in heterozygosity in numerous individuals with hereditary breast and/or ovarian cancer (PMID: 33471991, 23028338, 20927582, 21324516, 34026625). This variant has also been reported in individuals with prostate or pancreatic cancers (PMID: 27989354, 25940717). It is also known as c.5950delCT in the literature. This variant causes a frameshift at amino acid 1908 that results in premature termination 2 amino acids downstream. This variant is predicted to cause loss of normal protein function either through protein truncation or nonsense-mediated mRNA decay. Loss of function variants in BRCA2 are known to be pathogenic (PMID: 29446198). This variant was observed in 1/250888 chromosomes across the different populations included in the Genome Aggregation Database (PMID: 32461654). This variant has been reported in ClinVar (Variation ID: 9320). Based on the current evidence available, this variant is interpreted as pathogenic.

Women's Health and Genetics/Laboratory Corporation of America, LabCorp
Classification: Pathogenic for Hereditary breast ovarian cancer syndrome. Last evaluated: 2021-04-02. Review status: criteria provided, single submitter. Criteria: LabCorp Variant Classification Summary - May 2015. Collection method: clinical testing. Allele origin: germline. Not counted in ClinVar's aggregate classification.
Comment: Variant summary: BRCA2 c.5722_5723delCT (p.Leu1908ArgfsX2) results in a premature termination codon, predicted to cause a truncation of the encoded protein or absence of the protein due to nonsense mediated decay, which are commonly known mechanisms for disease. Truncations downstream of this position have been classified as pathogenic by our laboratory. The variant allele was found at a frequency of 4e-06 in 250888 control chromosomes. c.5722_5723delCT has been reported in the literature in multiple individuals affected with Hereditary Breast And Ovarian Cancer Syndrome (example, Rebbeck_2018). These data indicate that the variant is very likely to be associated with disease. To our knowledge, no experimental evidence demonstrating an impact on protein function has been reported. Multiple clinical diagnostic laboratories, an expert panel (ENIGMA) and a consortium (CIMBA) have submitted clinical-significance assessments for this variant to ClinVar after 2014 without evidence for independent evaluation. All submitters classified the variant as pathogenic. Based on the evidence outlined above, the variant was classified as pathogenic.

Institute of Medical Genetics and Applied Genomics, University Hospital Tübingen
Classification: Pathogenic. Last evaluated: 2020-10-23. Review status: criteria provided, single submitter. Criteria: ACMG Guidelines, 2015. Collection method: clinical testing. Allele origin: germline. Inheritance: Autosomal unknown. Affected: yes. Not counted in ClinVar's aggregate classification.

Department of Molecular Diagnostics, Institute of Oncology Ljubljana
Classification: Pathogenic for Breast-ovarian cancer, familial, susceptibility to, 1. Last evaluated: 2020-04-02. Review status: criteria provided, single submitter. Criteria: ACMG Guidelines, 2015. Collection method: clinical testing. Allele origin: germline. Affected: yes. Not counted in ClinVar's aggregate classification.

GeneDx
Classification: Pathogenic. Last evaluated: 2019-12-01. Review status: criteria provided, single submitter. Criteria: GeneDx Variant Classification Process June 2021. Collection method: clinical testing. Allele origin: germline. Affected: yes. Not counted in ClinVar's aggregate classification.
Comment: Frameshift variant predicted to result in protein truncation or nonsense mediated decay in a gene for which loss-of-function is a known mechanism of disease; Observed in individuals with a personal or family history consistent with pathogenic variants in this gene (Wooster 1995, Frank 1998, Couch 2007, Cherbal 2010, de Juan 2015, Holter 2015, Johns 2017, Pritzlaff 2017); Not observed at a significant frequency in large population cohorts (Lek 2016); Truncating variants in this gene are considered pathogenic by a well-established clinical consortium and/or database; Also known as c.5950delCT; This variant is associated with the following publications: (PMID: 21324516, 20736950, 25136594, 17301269, 19353265, 28008555, 27553291, 29339979, 29335924, 29752822, 22535016, 20683152, 12181777, 26026974, 24830819, 23028338, 9667259, 17453335, 20104584, 22798144, 16835750, 12112655, 12048272, 14973102, 25863477, 8524414, 25940717, 27836010, 26843898, 25330149, 28454591, 27989354, 29470806, 28724667, 30720863, 30940775, 30078507, 30287823, 30720243, 30702160, 31528241, 31577767, 31447099, 31980526)